The following is an entry in ClinVar:

ClinVar aggregate classification (germline): Uncertain significance (1 of 4 stars; one submission).

Conditions:
Cardiovascular phenotype. Identifiers: MedGen CN230736.

Submission:

Ambry Genetics
Classification: Uncertain significance for Cardiovascular phenotype. Last evaluated: 2024-10-28. Review status: criteria provided, single submitter. Criteria: Ambry Variant Classification Scheme 2023. Collection method: clinical testing. Allele origin: germline.
Comment: The p.P1481T variant (also known as c.4441C>A), located in coding exon 2 of the ZNF469 gene, results from a C to A substitution at nucleotide position 4441. The proline at codon 1481 is replaced by threonine, an amino acid with highly similar properties. This amino acid position is highly conserved in available vertebrate species. In addition, this alteration is predicted to be tolerated by in silico analysis. Since supporting evidence is limited at this time, the clinical significance of this alteration remains unclear.

NM_001367624.2(ZNF469):c.4525C>A (p.Pro1509Thr)

Gene: ZNF469 (zinc finger protein 469; plus strand). Cytogenetic location: 16q24.2.
Variant type: single nucleotide variant.
Coding change: c.4525C>A on transcript NM_001367624.2 (MANE Select); coding-DNA position 4525, C replaced by A.
Protein change: p.Pro1509Thr; replaces proline 1509 with threonine.
Molecular consequence: missense variant.
Genome position (GRCh38, 1-based): chr16:88,431,995, C>A. VCF-style: chr16-88431995-C-A. GRCh37 (hg19) VCF-style: chr16-88498403-C-A.
Other names: NM_001127464.1:c.4441C>A; short protein forms P1509T.
Identifiers: ClinVar variation 1740629 (VCV001740629.3), dbSNP rs1906223797, ClinGen allele CA397092309.